The following is an entry in ClinVar:

NM_000419.5(ITGA2B):c.671-5C>G

Gene: ITGA2B (integrin subunit alpha 2b; minus strand). Cytogenetic location: 17q21.31.
Variant type: single nucleotide variant.
Coding change: c.671-5C>G on transcript NM_000419.5 (MANE Select); 5 bases into the intron before coding-DNA position 671, C replaced by G.
Molecular consequence: intron variant.
Genome position (GRCh38, 1-based): chr17:44,385,081, G>C on the plus strand (C>G on the coding strand, the complement: ITGA2B is on the minus strand). VCF-style: chr17-44385081-G-C. GRCh37 (hg19) VCF-style: chr17-42462449-G-C.
Identifiers: ClinVar variation 3031705 (VCV003031705.2), dbSNP rs1332077743, ClinGen allele CA626122904.

ClinVar aggregate classification (germline): Likely benign (0 of 4 stars; one submission).

Conditions:
ITGA2B-related disorder. Also called: ITGA2B-related condition; ITGA2B-related disorders.

Allele frequency attached by ClinVar (database versions not stated): gnomAD exomes below 0.00001; gnomAD 0.00001; TOPMed 0.00003.
gnomAD v4.1: 4 of 1,614,058 alleles (0.00025%); highest among the groups gnomAD compares: African/African-American, 0.0053%; no homozygotes.

Submission:

PreventionGenetics, part of Exact Sciences
Classification: Likely benign for ITGA2B-related condition. Last evaluated: 2020-09-17. Review status: no assertion criteria provided. Collection method: clinical testing. Allele origin: germline.
Comment: This variant is classified as likely benign based on ACMG/AMP sequence variant interpretation guidelines (Richards et al. 2015 PMID: 25741868, with internal and published modifications).